The following is an entry in ClinVar:

NM_016306.6(DNAJB11):c.781_782del (p.Asn261fs)

Gene: DNAJB11 (DnaJ heat shock protein family (Hsp40) member B11; plus strand). Cytogenetic location: 3q27.3.
Variant type: Deletion.
Coding change: c.781_782del on transcript NM_016306.6 (MANE Select); coding-DNA positions 781 to 782, 2 bases deleted (AA; older notation c.781_782delAA).
Protein change: p.Asn261fs; shifts the reading frame from asparagine 261.
Molecular consequence: frameshift variant. On other transcripts: non-coding transcript variant (5).
Genome position (GRCh38, 1-based): chr3:186,583,905-186,583,906, AA deleted; deleting any 2 consecutive bases within chr3:186,583,904-186,583,906 gives the same sequence; the c. name uses the placement nearest the transcript's 3' end. VCF-style (leftmost placement, unchanged base first): chr3-186583903-CAA-C. GRCh37 (hg19) VCF-style: chr3-186301692-CAA-C.
Other names: c.505_506del, p.Asn169fs (NM_001378451.1); short protein forms N169fs, N261fs.
Identifiers: ClinVar variation 3662262 (VCV003662262.2).

ClinVar aggregate classification (germline): Pathogenic (1 of 4 stars; one submission).

Submission:

Labcorp Genetics (formerly Invitae), Labcorp
Classification: Pathogenic. Last evaluated: 2024-08-13. Review status: criteria provided, single submitter. Criteria: Invitae Variant Classification Sherloc (09022015). Collection method: clinical testing. Allele origin: germline.
Comment: This sequence change creates a premature translational stop signal (p.Asn261Cysfs*7) in the DNAJB11 gene. It is expected to result in an absent or disrupted protein product. Loss-of-function variants in DNAJB11 are known to be pathogenic (PMID: 32631624). This variant is not present in population databases (gnomAD no frequency). This variant has not been reported in the literature in individuals affected with DNAJB11-related conditions. For these reasons, this variant has been classified as Pathogenic.

Literature cited by the submitters: PubMed 32631624.